The following is an entry in ClinVar:

ClinVar aggregate classification (germline): Uncertain significance (1 of 4 stars; one submission).

gnomAD v4.1: 7 of 1,606,322 alleles (0.00044%); highest among the groups gnomAD compares: Non-Finnish European, 0.0006%; no homozygotes.

Submission:

Labcorp Genetics (formerly Invitae), Labcorp
Classification: Uncertain significance. Last evaluated: 2025-07-06. Review status: criteria provided, single submitter. Criteria: Invitae Variant Classification Sherloc (09022015). Collection method: clinical testing. Allele origin: germline.
Comment: This sequence change affects codon 1316 of the ITPR1 mRNA. It is a 'silent' change, meaning that it does not change the encoded amino acid sequence of the ITPR1 protein. This variant is not present in population databases (gnomAD no frequency). This variant has not been reported in the literature in individuals affected with ITPR1-related conditions. Algorithms developed to predict the effect of sequence changes on RNA splicing suggest that this variant may create or strengthen a splice site. In summary, the available evidence is currently insufficient to determine the role of this variant in disease. Therefore, it has been classified as a Variant of Uncertain Significance.

NM_001378452.1(ITPR1):c.4020T>A (p.Val1340=)

Gene: ITPR1 (inositol 1,4,5-trisphosphate receptor type 1; plus strand). Cytogenetic location: 3p26.1.
Variant type: single nucleotide variant.
Coding change: c.4020T>A on transcript NM_001378452.1 (MANE Select); coding-DNA position 4020, T replaced by A.
Protein change: p.Val1340=; no amino-acid change (valine 1340 retained).
Molecular consequence: synonymous variant.
Genome position (GRCh38, 1-based): chr3:4,691,335, T>A. VCF-style: chr3-4691335-T-A. GRCh37 (hg19) VCF-style: chr3-4733019-T-A.
Other names: c.3993T>A, p.Val1331= (NM_001099952.4); c.3975T>A, p.Val1325= (NM_001168272.2); c.3948T>A, p.Val1316= (NM_002222.7).
Identifiers: ClinVar variation 4777049 (VCV004777049.1).